The following is an entry in ClinVar:

NM_002055.5(GFAP):c.1171+37G>A

Gene: GFAP (glial fibrillary acidic protein; minus strand). Cytogenetic location: 17q21.31.
Variant type: single nucleotide variant.
Coding change: c.1171+37G>A on transcript NM_002055.5 (MANE Select); 37 bases into the intron after coding-DNA position 1171, G replaced by A.
Molecular consequence: intron variant. On other transcripts: missense variant (1).
Genome position (GRCh38, 1-based): chr17:44,910,578, C>T on the plus strand (G>A on the coding strand, the complement: GFAP is on the minus strand). VCF-style: chr17-44910578-C-T. GRCh37 (hg19) VCF-style: chr17-42987946-C-T.
Other names: c.1171+37G>A (NM_001363846.2, NM_001131019.3); c.1208G>A, p.Ser403Asn (NM_001242376.3); short protein forms S403N.
Identifiers: ClinVar variation 4935577 (VCV004935577.2).

ClinVar aggregate classification (germline): Likely benign. Review status: criteria provided, multiple submitters, no conflicts (2 of 4 stars). 2 submissions from 2 submitters: Likely benign (2). Last evaluated 2026-07-01.

gnomAD v4.1: 104 of 1,560,942 alleles (0.0067%); highest among the groups gnomAD compares: Admixed American, 0.018%; no homozygotes.

Submissions (2):

CeGaT Center for Human Genetics Tuebingen
Classification: Likely benign. Last evaluated: 2026-07-01. Review status: criteria provided, single submitter. Criteria: CeGaT Center For Human Genetics Tuebingen Variant Classification Criteria Version 2. Collection method: clinical testing. Allele origin: germline. Affected: yes. Observed: 1 variant allele.
Comment: GFAP: BS2

Blueprint Genetics
Classification: Likely benign. Last evaluated: 2024-10-03. Review status: criteria provided, single submitter. Criteria: ACMG Guidelines, 2015. Collection method: clinical testing. Allele origin: germline.